The following is an entry in ClinVar:

ClinVar aggregate classification (germline): Uncertain significance (1 of 4 stars; one submission).

Conditions:
Intellectual developmental disorder with ocular anomalies and distinctive facial features (IDDOF). Identifiers: MedGen C5774238, MONDO:0859303, OMIM 620086.

gnomAD v4.1: 10 of 1,556,996 alleles (0.00064%); highest among the groups gnomAD compares: African/African-American, 0.0027%; no homozygotes.

Submission:

Laboratorio de Genetica e Diagnostico Molecular, Hospital Israelita Albert Einstein
Classification: Uncertain significance for Intellectual developmental disorder with ocular anomalies and distinctive facial features. Last evaluated: 2024-09-26. Review status: criteria provided, single submitter. Criteria: ACMG Guidelines, 2015. Collection method: clinical testing. Allele origin: germline. Affected: yes.
Comment: ACMG classification criteria: PM2 supporting, BP4 supporting

NM_138383.3(MTSS2):c.1669G>A (p.Ala557Thr)

Gene: MTSS2 (MTSS I-BAR domain containing 2; minus strand). Cytogenetic location: 16q22.1.
Variant type: single nucleotide variant.
Coding change: c.1669G>A on transcript NM_138383.3 (MANE Select); coding-DNA position 1669, G replaced by A.
Protein change: p.Ala557Thr; replaces alanine 557 with threonine.
Molecular consequence: missense variant.
Genome position (GRCh38, 1-based): chr16:70,664,252, C>T on the plus strand (G>A on the coding strand, the complement: MTSS2 is on the minus strand). VCF-style: chr16-70664252-C-T. GRCh37 (hg19) VCF-style: chr16-70698155-C-T.
Other names: short protein forms A557T.
Identifiers: ClinVar variation 4056629 (VCV004056629.1).